The following is an entry in ClinVar:

NM_005797.4(MPZL2):c.545G>A (p.Arg182Gln)

Gene: MPZL2 (myelin protein zero like 2; minus strand). Cytogenetic location: 11q23.3.
Variant type: single nucleotide variant.
Coding change: c.545G>A on transcript NM_005797.4 (MANE Select); coding-DNA position 545, G replaced by A.
Protein change: p.Arg182Gln; replaces arginine 182 with glutamine.
Molecular consequence: missense variant.
Genome position (GRCh38, 1-based): chr11:118,260,093, C>T on the plus strand (G>A on the coding strand, the complement: MPZL2 is on the minus strand). VCF-style: chr11-118260093-C-T. GRCh37 (hg19) VCF-style: chr11-118130808-C-T.
Other names: c.545G>A, p.Arg182Gln (NM_144765.3); short protein forms R182Q.
Identifiers: ClinVar variation 3203737 (VCV003203737.3), dbSNP rs199773564, ClinGen allele CA6301326.

ClinVar aggregate classification (germline): Uncertain significance. Review status: criteria provided, multiple submitters, no conflicts (2 of 4 stars). 3 submissions from 3 submitters: Uncertain significance (2). 1 of the submissions does not count toward it. Last evaluated 2026-08-01.

Conditions:
MPZL2-related disorder. Also called: MPZL2-related condition.
Inborn genetic diseases. Identifiers: MedGen C0950123, MeSH D030342.

Allele frequency attached by ClinVar (database versions not stated): ExAC 0.00006; ESP Exome Variant Server 0.00015; TOPMed 0.00015; gnomAD 0.00016.
gnomAD v4.1: 244 of 1,613,974 alleles (0.015%); highest among the groups gnomAD compares: Middle Eastern, 0.033%; 1 homozygote.

Submissions (3):

CeGaT Center for Human Genetics Tuebingen
Classification: Uncertain significance. Last evaluated: 2026-08-01. Review status: criteria provided, single submitter. Criteria: CeGaT Center For Human Genetics Tuebingen Variant Classification Criteria Version 2. Collection method: clinical testing. Allele origin: germline. Affected: yes. Observed: 1 variant allele.

Ambry Genetics
Classification: Uncertain significance for Inborn genetic diseases. Last evaluated: 2022-04-25. Review status: criteria provided, single submitter. Criteria: Ambry Variant Classification Scheme 2023. Collection method: clinical testing. Allele origin: germline.

PreventionGenetics, part of Exact Sciences
Classification: Likely benign for MPZL2-related condition. Last evaluated: 2024-04-23. Review status: no assertion criteria provided. Collection method: clinical testing. Allele origin: germline. Not counted in ClinVar's aggregate classification.
Comment: This variant is classified as likely benign based on ACMG/AMP sequence variant interpretation guidelines (Richards et al. 2015 PMID: 25741868, with internal and published modifications).